The following is an entry in ClinVar:

ClinVar aggregate classification (germline): Uncertain significance (1 of 4 stars; one submission).

Conditions:
Charcot-Marie-Tooth disease type 2E (CMT2E). Also called: CHARCOT-MARIE-TOOTH DISEASE, AXONAL, TYPE 2E; CHARCOT-MARIE-TOOTH NEUROPATHY, TYPE 2E. Identifiers: Orphanet 99939, MedGen C1843225, MONDO:0011894, OMIM 607684.

Submission:

Labcorp Genetics (formerly Invitae), Labcorp
Classification: Uncertain significance for Charcot-Marie-Tooth disease type 2E. Last evaluated: 2018-10-29. Review status: criteria provided, single submitter. Criteria: Invitae Variant Classification Sherloc (09022015). Collection method: clinical testing. Allele origin: germline.
Comment: In summary, the available evidence is currently insufficient to determine the role of this variant in disease. Therefore, it has been classified as a Variant of Uncertain Significance. Algorithms developed to predict the effect of missense changes on protein structure and function are either unavailable or do not agree on the potential impact of this missense change (SIFT: "Deleterious"; PolyPhen-2: "Benign"; Align-GVGD: "Class C0"). This variant has not been reported in the literature in individuals with NEFL-related disease. This variant is not present in population databases (ExAC no frequency). This sequence change replaces isoleucine with methionine at codon 344 of the NEFL protein (p.Ile344Met). The isoleucine residue is highly conserved and there is a small physicochemical difference between isoleucine and methionine.

NM_006158.5(NEFL):c.1032C>G (p.Ile344Met)

Gene: NEFL (neurofilament light chain; minus strand). Cytogenetic location: 8p21.2.
Variant type: single nucleotide variant.
Coding change: c.1032C>G on transcript NM_006158.5 (MANE Select); coding-DNA position 1032, C replaced by G.
Protein change: p.Ile344Met; replaces isoleucine 344 with methionine.
Molecular consequence: missense variant.
Genome position (GRCh38, 1-based): chr8:24,955,484, G>C on the plus strand (C>G on the coding strand, the complement: NEFL is on the minus strand). VCF-style: chr8-24955484-G-C. GRCh37 (hg19) VCF-style: chr8-24812998-G-C.
Other names: short protein forms I344M.
Identifiers: ClinVar variation 664048 (VCV000664048.4), dbSNP rs1586127924, ClinGen allele CA370621090.